The following is an entry in ClinVar:

NM_001099922.3(ALG13):c.1324A>G (p.Lys442Glu)

Gene: ALG13 (ALG13 UDP-N-acetylglucosaminyltransferase subunit; plus strand). Cytogenetic location: Xq23.
Variant type: single nucleotide variant.
Coding change: c.1324A>G on transcript NM_001099922.3 (MANE Select); coding-DNA position 1324, A replaced by G.
Protein change: p.Lys442Glu; replaces lysine 442 with glutamic acid.
Molecular consequence: missense variant. On other transcripts: non-coding transcript variant (1).
Genome position (GRCh38, 1-based): chrX:111,720,168, A>G. VCF-style: chrX-111720168-A-G. GRCh37 (hg19) VCF-style: chrX-110963396-A-G.
Other names: c.1012A>G, p.Lys338Glu (NM_001257230.2, NM_001257234.2, NM_001257237.2 and 1 more transcripts); c.1090A>G, p.Lys364Glu (NM_001257231.2); c.1324A>G, p.Lys442Glu (NM_001324292.2); short protein forms K338E, K364E, K442E.
Identifiers: ClinVar variation 1305409 (VCV001305409.2), dbSNP rs2148136508, ClinGen allele CA414251401.
Genomic context (GRCh38, chrX:111,720,168, plus strand): 5'-GGTGCCTGCTACAATGCTGAAAATATACCAGAGGGCTACAATAAAGGAACAGAAGAAACA[A>G]AGGTTTGATATTTTCTAAGGCAAAGAATTTTCATAGTCTTGGCTTGCAGCATCATGACTT-3'
Protein context (NP_001093392.1, residues 432-452): EGYNKGTEET[Lys442Glu]SPENPSKMPF

ClinVar aggregate classification (germline): Uncertain significance (1 of 4 stars; one submission).

Submission:

GeneDx
Classification: Uncertain significance. Last evaluated: 2019-04-30. Review status: criteria provided, single submitter. Criteria: GeneDx Variant Classification Process June 2021. Collection method: clinical testing. Allele origin: germline. Affected: yes.
Comment: Not observed in large population cohorts (Lek et al., 2016); In silico analysis, which includes protein predictors and evolutionary conservation, supports that this variant does not alter protein structure/function; Has not been previously published as pathogenic or benign to our knowledge